The following is an entry in ClinVar:

ClinVar aggregate classification (germline): Uncertain significance (1 of 4 stars; one submission).

Allele frequency attached by ClinVar (database versions not stated): TOPMed below 0.00001.
gnomAD v4.1: 1 of 1,240,776 alleles (0.000081%); highest among the groups gnomAD compares: Admixed American, 0.0043%; no homozygotes.

Submission:

GeneDx
Classification: Uncertain significance. Last evaluated: 2022-05-06. Review status: criteria provided, single submitter. Criteria: GeneDx Variant Classification Process June 2021. Collection method: clinical testing. Allele origin: germline. Affected: yes.
Comment: Not observed at significant frequency in large population cohorts (gnomAD); In silico analysis supports that this missense variant does not alter protein structure/function; Has not been previously published as pathogenic or benign to our knowledge

NM_001170535.3(ATAD3A):c.70C>T (p.Pro24Ser)

Gene: ATAD3A (ATPase family AAA domain containing 3A; plus strand). Cytogenetic location: 1p36.33.
Variant type: single nucleotide variant.
Coding change: c.70C>T on transcript NM_001170535.3 (MANE Select); coding-DNA position 70, C replaced by T.
Protein change: p.Pro24Ser; replaces proline 24 with serine.
Molecular consequence: missense variant.
Genome position (GRCh38, 1-based): chr1:1,512,338, C>T. VCF-style: chr1-1512338-C-T. GRCh37 (hg19) VCF-style: chr1-1447718-C-T.
Other names: c.70C>T, p.Pro24Ser (NM_018188.5); short protein forms P24S.
Identifiers: ClinVar variation 1723099 (VCV001723099.2), dbSNP rs1641221082, ClinGen allele CA337845594.
Genomic context (GRCh38, chr1:1,512,338, plus strand): 5'-CTCTTCGGCATTAACAAGGGCCCCAAGGGTGAAGGCGCGGGGCCGCCGCCGCCTTTGCCG[C>T]CCGCGCAGCCCGGGGCCGAGGGCGGCGGGGACCGCGGGTTGGGAGACCGGCCGGCGCCCA-3'
Protein context (NP_001164006.1, residues 14-34): EGAGPPPPLP[Pro24Ser]AQPGAEGGGD